The following is an entry in ClinVar:

NM_052845.4(MMAB):c.580A>G (p.Arg194Gly)

Gene: MMAB (metabolism of cobalamin associated B; minus strand). Cytogenetic location: 12q24.11.
Variant type: single nucleotide variant.
Coding change: c.580A>G on transcript NM_052845.4 (MANE Select); coding-DNA position 580, A replaced by G.
Protein change: p.Arg194Gly; replaces arginine 194 with glycine.
Molecular consequence: missense variant. On other transcripts: non-coding transcript variant (1).
Genome position (GRCh38, 1-based): chr12:109,561,044, T>C on the plus strand (A>G on the coding strand, the complement: MMAB is on the minus strand). VCF-style: chr12-109561044-T-C. GRCh37 (hg19) VCF-style: chr12-109998849-T-C.
Other names: short protein forms R194G.
Identifiers: ClinVar variation 1332746 (VCV001332746.3), dbSNP rs2136198139, ClinGen allele CA386636808.

ClinVar aggregate classification (germline): Pathogenic/Likely pathogenic. Review status: criteria provided, multiple submitters, no conflicts (2 of 4 stars). 2 submissions from 2 submitters: Pathogenic (1); Likely pathogenic (1). Last evaluated 2025-09-22.

Conditions:
Methylmalonic aciduria, cblB type (MACB). Also called: Vitamin B12-responsive methylmalonic acidemia type cblB; Methylmalonic acidemia cblB type; METHYLMALONIC ACIDURIA, VITAMIN B12-RESPONSIVE, DUE TO DEFECT IN SYNTHESIS OF ADENOSYLCOBALAMIN, cblB TYPE. Identifiers: Orphanet 28, Orphanet 79311, MedGen C1855102, MONDO:0009614, OMIM 251110.

Submissions (2):

Ozbek Human Genetics Laboratory, Izmir Biomedicine and Genome Center
Classification: Pathogenic for Methylmalonic aciduria, cblB type. Last evaluated: 2025-09-22. Review status: criteria provided, single submitter. Criteria: ACMG Guidelines, 2015. Collection method: research. Allele origin: unknown. Inheritance: Autosomal recessive inheritance. Affected: yes. Observed: 1 variant allele, 1 homozygote.
Comment: A homozygous c.580A>G missense variant was detected in exon 7 of the MMAB gene (NM_052845.4) (PP2). This variant is very rarely observed in population databases (PM2). The variant is located in a "mutational hot spot" where pathogenic variants of the MMAB gene are frequently observed (PM1), and in silico algorithms (AlphaMissense, Revel) predict it has a damaging effect at the protein level (PP3). Entries for this variant and an alternative change detected at the same locus are present as "Pathogenic" in the ClinVar database (PP5, PM5). Based on this information, the variant is classified as pathogenic according to ACMG criteria. The MMAB gene is associated with "Methylmalonic aciduria, vitamin B12-responsive, cblB type" syndrome in the OMIM database. Data obtained via the RAREBOOST project (Horizon 2020 ERA Chairs at Izmir Biomedicine and Genome Center - IBG)

Kasturba Medical College, Manipal, Kasturba Medical College, Manipal, Manipal Academy of Higher Education, Manipal, India
Classification: Likely pathogenic for Methylmalonic aciduria, cblB type. Review status: criteria provided, single submitter. Criteria: ACMG Guidelines, 2015. Collection method: clinical testing. Allele origin: inherited. Inheritance: Autosomal recessive inheritance. Affected: yes.